The following is an entry in ClinVar:

ClinVar aggregate classification (germline): Uncertain significance. Review status: criteria provided, multiple submitters, no conflicts (2 of 4 stars). 2 submissions from 2 submitters: Uncertain significance (2). Last evaluated 2025-11-17.

Conditions:
Inborn genetic diseases. Identifiers: MedGen C0950123, MeSH D030342.

gnomAD v4.1: 2 of 1,613,936 alleles (0.00012%); highest among the groups gnomAD compares: Non-Finnish European, 0.00017%; no homozygotes.

Submissions (2):

Labcorp Genetics (formerly Invitae), Labcorp
Classification: Uncertain significance. Last evaluated: 2025-11-17. Review status: criteria provided, single submitter. Criteria: Invitae Variant Classification Sherloc (09022015). Collection method: clinical testing. Allele origin: germline.
Comment: This sequence change replaces threonine, which is neutral and polar, with alanine, which is neutral and non-polar, at codon 195 of the SETBP1 protein (p.Thr195Ala). This variant is not present in population databases (gnomAD no frequency). This variant has not been reported in the literature in individuals affected with SETBP1-related conditions. ClinVar contains an entry for this variant (Variation ID: 2319696). Invitae Evidence Modeling of protein sequence and biophysical properties (such as structural, functional, and spatial information, amino acid conservation, physicochemical variation, residue mobility, and thermodynamic stability) indicates that this missense variant is not expected to disrupt SETBP1 protein function with a negative predictive value of 80%. In summary, the available evidence is currently insufficient to determine the role of this variant in disease. Therefore, it has been classified as a Variant of Uncertain Significance.

Ambry Genetics
Classification: Uncertain significance for Inborn genetic diseases. Last evaluated: 2022-10-26. Review status: criteria provided, single submitter. Criteria: Ambry Variant Classification Scheme 2023. Collection method: clinical testing. Allele origin: germline.

NM_015559.3(SETBP1):c.583A>G (p.Thr195Ala)

Gene: SETBP1 (SET binding protein 1; plus strand). Cytogenetic location: 18q12.3.
Variant type: single nucleotide variant.
Coding change: c.583A>G on transcript NM_015559.3 (MANE Select); coding-DNA position 583, A replaced by G.
Protein change: p.Thr195Ala; replaces threonine 195 with alanine.
Molecular consequence: missense variant.
Genome position (GRCh38, 1-based): chr18:44,949,923, A>G. VCF-style: chr18-44949923-A-G. GRCh37 (hg19) VCF-style: chr18-42529888-A-G.
Other names: c.583A>G, p.Thr195Ala (NM_001379141.1, NM_001379142.1, NM_001410862.1); short protein forms T195A.
Identifiers: ClinVar variation 2319696 (VCV002319696.5), dbSNP rs750150119, ClinGen allele CA402316384.
Genomic context (GRCh38, chr18:44,949,923, plus strand): 5'-CACTCCACCCACCCTTAGGCTTACGAGAGGCCCCAGAAACATTCAACTCTCCATTATGAC[A>G]CGGGCCTCCCACAGGACTTCACCGGTGACACCTTAAAACCAAAGCACCAGCAAAAAAGCA-3'
Protein context (NP_056374.2, residues 185-205): PQKHSTLHYD[Thr195Ala]GLPQDFTGDT